The following is an entry in ClinVar:

ClinVar aggregate classification (germline): Conflicting classifications of pathogenicity. Review status: criteria provided, conflicting classifications (1 of 4 stars). 3 submissions from 3 submitters: Uncertain significance (1); Likely benign (2). Last evaluated 2024-01-15.

Allele frequency attached by ClinVar (database versions not stated): ExAC 0.00006; ESP Exome Variant Server 0.00008; gnomAD 0.00012; TOPMed 0.00014.
gnomAD v4.1: 158 of 1,614,182 alleles (0.0098%); highest among the groups gnomAD compares: Middle Eastern, 0.3%; no homozygotes.

Submissions (3):

Labcorp Genetics (formerly Invitae), Labcorp
Classification: Uncertain significance. Last evaluated: 2024-01-15. Review status: criteria provided, single submitter. Criteria: Invitae Variant Classification Sherloc (09022015). Collection method: clinical testing. Allele origin: germline.
Comment: This sequence change replaces arginine, which is basic and polar, with histidine, which is basic and polar, at codon 1604 of the ADAMTS9 protein (p.Arg1604His). This variant is present in population databases (rs374354849, gnomAD 0.01%). This variant has not been reported in the literature in individuals affected with ADAMTS9-related conditions. ClinVar contains an entry for this variant (Variation ID: 2209821). Algorithms developed to predict the effect of missense changes on protein structure and function output the following: SIFT: "Not Available"; PolyPhen-2: "Benign"; Align-GVGD: "Not Available". The histidine amino acid residue is found in multiple mammalian species, which suggests that this missense change does not adversely affect protein function. In summary, the available evidence is currently insufficient to determine the role of this variant in disease. Therefore, it has been classified as a Variant of Uncertain Significance.

CeGaT Center for Human Genetics Tuebingen
Classification: Likely benign. Last evaluated: 2022-07-01. Review status: criteria provided, single submitter. Criteria: CeGaT Center For Human Genetics Tuebingen Variant Classification Criteria Version 2. Collection method: clinical testing. Allele origin: germline. Affected: yes. Observed: 1 variant allele.
Comment: ADAMTS9: BP4

Ambry Genetics
Classification: Likely benign. Last evaluated: 2022-03-28. Review status: criteria provided, single submitter. Criteria: Ambry Variant Classification Scheme 2023. Collection method: clinical testing. Allele origin: germline.

NM_182920.2(ADAMTS9):c.4811G>A (p.Arg1604His)

Gene: ADAMTS9 (ADAM metallopeptidase with thrombospondin type 1 motif 9; minus strand). Cytogenetic location: 3p14.1.
Variant type: single nucleotide variant.
Coding change: c.4811G>A on transcript NM_182920.2 (MANE Select); coding-DNA position 4811, G replaced by A.
Protein change: p.Arg1604His; replaces arginine 1604 with histidine.
Molecular consequence: missense variant.
Genome position (GRCh38, 1-based): chr3:64,550,950, C>T on the plus strand (G>A on the coding strand, the complement: ADAMTS9 is on the minus strand). VCF-style: chr3-64550950-C-T. GRCh37 (hg19) VCF-style: chr3-64536626-C-T.
Other names: c.4727G>A, p.Arg1576His (NM_001318781.2); short protein forms R1576H, R1604H.
Identifiers: ClinVar variation 2209821 (VCV002209821.28), dbSNP rs374354849, ClinGen allele CA2480378.
Genomic context (GRCh38, chr3:64,550,950, plus strand): 5'-ACCTCTGACCATTCTCCTGTGATCCAGACATACTCGCAGGGTTGCAAACTACAGCTTTCA[C>T]GGTCCACCGGCCGCTTGCTCACGTCACAGCGTGCCCCATGCACCTCGTTTTTGTTGTCAT-3'
Protein context (NP_891550.1, residues 1594-1614): RCDVSKRPVD[Arg1604His]ESCSLQPCEY